The following is an entry in ClinVar:

ClinVar aggregate classification (germline): Pathogenic (1 of 4 stars; one submission).

Conditions:
Ehlers-Danlos syndrome, type 4 (EDSVASC). Also called: Ehlers-Danlos syndrome vascular type; Ehlers Danlos syndrome, ecchymotic type; Ehlers Danlos syndrome, arterial type; Ehlers Danlos syndrome, Sack-Barabas type; Ehlers-Danlos Syndrome Type IV. Identifiers: Orphanet 286, MedGen C0268338, MONDO:0017314, OMIM 130050.

Submission:

Labcorp Genetics (formerly Invitae), Labcorp
Classification: Pathogenic for Ehlers-Danlos syndrome, type 4. Last evaluated: 2018-05-14. Review status: criteria provided, single submitter. Criteria: Invitae Variant Classification Sherloc (09022015). Collection method: clinical testing. Allele origin: germline.
Comment: This sequence change replaces glycine with tryptophan at codon 207 of the COL3A1 protein (p.Gly207Trp). The glycine residue is highly conserved and there is a large physicochemical difference between glycine and tryptophan. This variant is not present in population databases (ExAC no frequency). This variant has been observed to be de novo in an individual with features of Ehlers-Danlos syndrome, type IV (Invitae). Algorithms developed to predict the effect of missense changes on protein structure and function (SIFT, PolyPhen-2, Align-GVGD) all suggest that this variant is likely to be disruptive, but these predictions have not been confirmed by published functional studies. Glycine residues within the Gly-Xaa-Yaa repeats of the triple helix domain are required for the structure and stability of fibrillar collagens (PMID: 7695699, 8218237, 19344236). In COL3A1, missense variants at these glycine residues are significantly enriched in individuals with disease (PMID: 24922459, 25758994) compared to the general population (ExAC). For these reasons, this variant has been classified as Pathogenic.

Literature cited by the submitters: PubMed 7695699; PubMed 19344236; PubMed 24922459; PubMed 8218237; PubMed 25758994.

NM_000090.4(COL3A1):c.619G>T (p.Gly207Trp)

Gene: COL3A1 (collagen type III alpha 1 chain; plus strand). Cytogenetic location: 2q32.2.
Variant type: single nucleotide variant.
Coding change: c.619G>T on transcript NM_000090.4 (MANE Select); coding-DNA position 619, G replaced by T.
Protein change: p.Gly207Trp; replaces glycine 207 with tryptophan.
Molecular consequence: missense variant.
Genome position (GRCh38, 1-based): chr2:188,988,626, G>T. VCF-style: chr2-188988626-G-T. GRCh37 (hg19) VCF-style: chr2-189853352-G-T.
Other names: short protein forms G207W.
Identifiers: ClinVar variation 459795 (VCV000459795.1), dbSNP rs1553507274, ClinGen allele CA349848382.